The following is an entry in ClinVar:

ClinVar aggregate classification (germline): Uncertain significance (1 of 4 stars; one submission).

Allele frequency attached by ClinVar (database versions not stated): gnomAD 0.00001; TOPMed 0.00002.
gnomAD v4.1: 8 of 1,589,846 alleles (0.0005%); highest among the groups gnomAD compares: Non-Finnish European, 0.00068%; no homozygotes.

Submission:

Labcorp Genetics (formerly Invitae), Labcorp
Classification: Uncertain significance. Last evaluated: 2022-05-27. Review status: criteria provided, single submitter. Criteria: Invitae Variant Classification Sherloc (09022015). Collection method: clinical testing. Allele origin: germline.
Comment: In summary, the available evidence is currently insufficient to determine the role of this variant in disease. Therefore, it has been classified as a Variant of Uncertain Significance. Algorithms developed to predict the effect of missense changes on protein structure and function are either unavailable or do not agree on the potential impact of this missense change (SIFT: "Deleterious"; PolyPhen-2: "Not Available"; Align-GVGD: "Class C0"). This variant has not been reported in the literature in individuals affected with DSCAML1-related conditions. The frequency data for this variant in the population databases is considered unreliable, as metrics indicate poor data quality at this position in the gnomAD database. This sequence change replaces arginine, which is basic and polar, with tryptophan, which is neutral and slightly polar, at codon 45 of the DSCAML1 protein (p.Arg45Trp).

NM_020693.4(DSCAML1):c.-48C>T

Gene: DSCAML1 (DS cell adhesion molecule like 1; minus strand). Cytogenetic location: 11q23.3.
Variant type: single nucleotide variant.
Coding change: c.-48C>T on transcript NM_020693.4 (MANE Select); 48 bases upstream of the start codon, C replaced by T.
Molecular consequence: 5 prime UTR variant. On other transcripts: intron variant (1).
Genome position (GRCh38, 1-based): chr11:117,797,127, G>A on the plus strand (C>T on the coding strand, the complement: DSCAML1 is on the minus strand). VCF-style: chr11-117797127-G-A. GRCh37 (hg19) VCF-style: chr11-117667842-G-A.
Other names: c.-48C>T (NM_001367904.1); c.-362-16317C>T (NM_001367905.1).
Identifiers: ClinVar variation 1944221 (VCV001944221.5), dbSNP rs1019988595, ClinGen allele CA229418329.